The following is an entry in ClinVar:

ClinVar aggregate classification (germline): Uncertain significance (1 of 4 stars; one submission).

Conditions:
Multiple endocrine neoplasia, type 2 (MEN2). Identifiers: Orphanet 653, MedGen C4048306, MONDO:0019003. Disease mechanism: gain of function.

Submission:

Labcorp Genetics (formerly Invitae), Labcorp
Classification: Uncertain significance for Multiple endocrine neoplasia, type 2. Last evaluated: 2022-11-29. Review status: criteria provided, single submitter. Criteria: Invitae Variant Classification Sherloc (09022015). Collection method: clinical testing. Allele origin: germline.
Comment: This sequence change replaces asparagine, which is neutral and polar, with histidine, which is basic and polar, at codon 359 of the RET protein (p.Asn359His). This variant is not present in population databases (gnomAD no frequency). This variant has not been reported in the literature in individuals affected with RET-related conditions. Algorithms developed to predict the effect of missense changes on protein structure and function are either unavailable or do not agree on the potential impact of this missense change (SIFT: "Tolerated"; PolyPhen-2: "Probably Damaging"; Align-GVGD: "Class C0"). In summary, the available evidence is currently insufficient to determine the role of this variant in disease. Therefore, it has been classified as a Variant of Uncertain Significance.

NM_020975.6(RET):c.1075A>C (p.Asn359His)

Gene: RET (ret proto-oncogene; plus strand). Cytogenetic location: 10q11.21.
Variant type: single nucleotide variant.
Coding change: c.1075A>C on transcript NM_020975.6 (MANE Select); coding-DNA position 1075, A replaced by C.
Protein change: p.Asn359His; replaces asparagine 359 with histidine.
Molecular consequence: missense variant.
Genome position (GRCh38, 1-based): chr10:43,109,042, A>C. VCF-style: chr10-43109042-A-C. GRCh37 (hg19) VCF-style: chr10-43604490-A-C.
Other names: c.1075A>C, p.Asn359His (NM_000323.2, NM_001406743.1, NM_001406744.1 and 6 more transcripts); c.313A>C, p.Asn105His (NM_001355216.2); c.946A>C, p.Asn316His (NM_001406761.1, NM_001406762.1, NM_001406764.1 and 1 more transcripts); c.787A>C, p.Asn263His (NM_001406766.1, NM_001406767.1, NM_001406770.1); c.637A>C, p.Asn213His (NM_001406771.1, NM_001406773.1); c.349A>C, p.Asn117His (NM_001406775.1, NM_001406776.1, NM_001406777.1 and 1 more transcripts); c.85A>C, p.Asn29His (NM_001406784.1); short protein forms N117H, N29H, N316H, N263H, N105H, N213H, N359H.
Identifiers: ClinVar variation 2078219 (VCV002078219.4), dbSNP rs2538423159, ClinGen allele CA376547220.